The following is an entry in ClinVar:

ClinVar aggregate classification (germline): Likely benign. Review status: criteria provided, multiple submitters, no conflicts (2 of 4 stars). 8 submissions from 8 submitters: Likely benign (5). 3 of the submissions do not count toward it. Last evaluated 2026-01-27.

Conditions:
TNFRSF1A-related disorder. Also called: TNFRSF1A-related condition.
TNF receptor-associated periodic fever syndrome (TRAPS) (FPF). Also called: TNF RECEPTOR-ASSOCIATED PERIODIC SYNDROME; TUMOR NECROSIS FACTOR RECEPTOR-ASSOCIATED PERIODIC SYNDROME; FAMILIAL HIBERNIAN FEVER; Autosomal Dominant Familial Periodic Fever; TNF Receptor-Associated Periodic Fever Syndrome; TNF receptor 1-associated periodic fever syndrome. Identifiers: Orphanet 32960, MedGen C1275126, MONDO:0007727, OMIM 142680.

Allele frequency attached by ClinVar (database versions not stated): ExAC 0.00001; gnomAD exomes 0.00002; gnomAD 0.00005; TOPMed 0.00007.
gnomAD v4.1: 30 of 1,614,056 alleles (0.0019%); highest among the groups gnomAD compares: Admixed American, 0.012%; no homozygotes.

Submissions (8):

Labcorp Genetics (formerly Invitae), Labcorp
Classification: Likely benign for TNF receptor-associated periodic fever syndrome (TRAPS). Last evaluated: 2026-01-27. Review status: criteria provided, single submitter. Criteria: Invitae Variant Classification Sherloc (09022015). Collection method: clinical testing. Allele origin: germline.

PreventionGenetics, part of Exact Sciences
Classification: Likely benign for TNFRSF1A-related condition. Last evaluated: 2025-07-08. Review status: criteria provided, single submitter. Criteria: ACMG Guidelines, 2015. Collection method: clinical testing. Allele origin: germline.
Comment: This variant is classified as likely benign based on ACMG/AMP sequence variant interpretation guidelines (Richards et al. 2015 PMID: 25741868, with internal and published modifications).

Blueprint Genetics
Classification: Likely benign. Last evaluated: 2023-11-24. Review status: criteria provided, single submitter. Criteria: ACMG Guidelines, 2015. Collection method: clinical testing. Allele origin: germline.

GeneDx
Classification: Likely benign. Last evaluated: 2017-12-29. Review status: criteria provided, single submitter. Criteria: GeneDx Variant Classification (06012015). Collection method: clinical testing. Allele origin: germline. Affected: yes.
Comment: This variant is considered likely benign or benign based on one or more of the following criteria: it is a conservative change, it occurs at a poorly conserved position in the protein, it is predicted to be benign by multiple in silico algorithms, and/or has population frequency not consistent with disease.

Breakthrough Genomics
Classification: Likely benign. Review status: criteria provided, single submitter. Criteria: ACMG Guidelines, 2015. Collection method: not provided. Allele origin: germline. Inheritance: Autosomal dominant inheritance. Affected: yes.

Clinical Genetics DNA and cytogenetics Diagnostics Lab, Erasmus MC, Erasmus Medical Center
Classification: Likely benign. Review status: no assertion criteria provided. Collection method: clinical testing. Allele origin: germline. Affected: yes. Study: VKGL Data-share Consensus. Not counted in ClinVar's aggregate classification.

Genome Diagnostics Laboratory, University Medical Center Utrecht
Classification: Likely benign. Review status: no assertion criteria provided. Collection method: clinical testing. Allele origin: germline. Affected: yes. Study: VKGL Data-share Consensus. Not counted in ClinVar's aggregate classification.

Unité médicale des maladies autoinflammatoires, CHRU Montpellier
No classification provided. Condition: TNF receptor-associated periodic fever syndrome (TRAPS). Review status: no classification provided. Collection method: not provided. Allele origin: unknown. Not counted in ClinVar's aggregate classification.

NM_001065.4(TNFRSF1A):c.168G>A (p.Ser56=)

Gene: TNFRSF1A (TNF receptor superfamily member 1A; minus strand). Cytogenetic location: 12p13.31.
Variant type: single nucleotide variant.
Coding change: c.168G>A on transcript NM_001065.4 (MANE Select); coding-DNA position 168, G replaced by A.
Protein change: p.Ser56=; no amino-acid change (serine 56 retained).
Molecular consequence: synonymous variant. On other transcripts: 5 prime UTR variant (1), non-coding transcript variant (1), intron variant (1).
Genome position (GRCh38, 1-based): chr12:6,334,116, C>T on the plus strand (G>A on the coding strand, the complement: TNFRSF1A is on the minus strand). VCF-style: chr12-6334116-C-T. GRCh37 (hg19) VCF-style: chr12-6443282-C-T.
Other names: c.-410G>A (NM_001346092.2); c.-131-251G>A (NM_001346091.2).
Identifiers: ClinVar variation 97649 (VCV000097649.10), dbSNP rs104895280, ClinGen allele CA280712.